The following is an entry in ClinVar:

ClinVar aggregate classification (germline): Uncertain significance (1 of 4 stars; one submission).

Submission:

Greenwood Genetic Center Diagnostic Laboratories, Greenwood Genetic Center
Classification: Uncertain significance. Last evaluated: 2024-03-27. Review status: criteria provided, single submitter. Criteria: ACMG Guidelines, 2015. Collection method: clinical testing. Allele origin: germline. Affected: yes.
Comment: Gene of Uncertain Significance

NM_003388.5(CLIP2):c.2920_2922del (p.Leu974del)

Gene: CLIP2 (CAP-Gly domain containing linker protein 2; plus strand). Cytogenetic location: 7q11.23.
Variant type: Deletion.
Coding change: c.2920_2922del on transcript NM_003388.5 (MANE Select); coding-DNA positions 2920 to 2922, 3 bases deleted (CTC; older notation c.2920_2922delCTC).
Protein change: p.Leu974del; deletes leucine 974.
Molecular consequence: inframe deletion.
Genome position (GRCh38, 1-based): chr7:74,400,409-74,400,411, CTC deleted; deleting any 3 consecutive bases within chr7:74,400,408-74,400,411 gives the same sequence; the c. name uses the placement nearest the transcript's 3' end. VCF-style (leftmost placement, unchanged base first): chr7-74400407-CCCT-C. GRCh37 (hg19) VCF-style: chr7-73814737-CCCT-C.
Other names: c.2815_2817del, p.Leu939del (NM_032421.3); short protein forms L939del, L974del.
Identifiers: ClinVar variation 3235823 (VCV003235823.1), dbSNP rs2487879156, ClinGen allele CA2825001570.
Genomic context (GRCh38, chr7:74,400,407, plus strand): 5'-TTCCACTCTCCTGCCACTTCCAGGACAAAGAGAAATCCCTGTCGGATCAGAGGCGCTACT[CCCT>C]CATCGACCGGTCCTCGGCGCCCGAGCTTCTGCGGCTGCAGCACCAGCTGATGAGCACGGA-3'